The following is an entry in ClinVar:

ClinVar aggregate classification (germline): Likely benign. Review status: criteria provided, single submitter (1 of 4 stars). 2 submissions from 2 submitters: Likely benign (1). 1 of the submissions does not count toward it. Last evaluated 2026-01-30.

Conditions:
Cohen syndrome (COH1). Also called: PEPPER SYNDROME; Cutis verticis gyrata, retinitis pigmentosa, and sensorineural deafness. Identifiers: Orphanet 193, MedGen C0265223, MONDO:0008999, OMIM 216550.
VPS13B-related disorder. Also called: VPS13B-related condition.

Allele frequency attached by ClinVar (database versions not stated): gnomAD 0.00001; gnomAD exomes 0.00001; ExAC 0.00002; TOPMed 0.00002; ESP Exome Variant Server 0.00008.
gnomAD v4.1: 49 of 1,613,726 alleles (0.003%); highest among the groups gnomAD compares: South Asian, 0.0066%; no homozygotes.

Submissions (2):

Labcorp Genetics (formerly Invitae), Labcorp
Classification: Likely benign for Cohen syndrome. Last evaluated: 2026-01-30. Review status: criteria provided, single submitter. Criteria: Invitae Variant Classification Sherloc (09022015). Collection method: clinical testing. Allele origin: germline.

PreventionGenetics, part of Exact Sciences
Classification: Likely benign for VPS13B-related condition. Last evaluated: 2021-09-09. Review status: no assertion criteria provided. Collection method: clinical testing. Allele origin: germline. Not counted in ClinVar's aggregate classification.
Comment: This variant is classified as likely benign based on ACMG/AMP sequence variant interpretation guidelines (Richards et al. 2015 PMID: 25741868, with internal and published modifications).

NM_152564.5(VPS13B):c.11022G>A (p.Ser3674=)

Gene: VPS13B (vacuolar protein sorting 13 homolog B; plus strand). Cytogenetic location: 8q22.2.
Variant type: single nucleotide variant.
Coding change: c.11022G>A on transcript NM_152564.5 (MANE Select); coding-DNA position 11022, G replaced by A.
Protein change: p.Ser3674=; no amino-acid change (serine 3674 retained).
Molecular consequence: synonymous variant.
Genome position (GRCh38, 1-based): chr8:99,859,458, G>A. VCF-style: chr8-99859458-G-A. GRCh37 (hg19) VCF-style: chr8-100871686-G-A.
Other names: c.11097G>A, p.Ser3699= (NM_017890.5); c.11022G>A (NM_152564.4).
Identifiers: ClinVar variation 742132 (VCV000742132.12), dbSNP rs375676564, ClinGen allele CA4825096.